The following is an entry in ClinVar:

ClinVar aggregate classification (germline): Likely pathogenic (1 of 4 stars; one submission).

Submission:

GeneDx
Classification: Likely pathogenic. Last evaluated: 2025-04-09. Review status: criteria provided, single submitter. Criteria: GeneDx Variant Classification Process June 2021. Collection method: clinical testing. Allele origin: germline. Affected: yes.
Comment: Frameshift variant predicted to result in protein truncation or nonsense mediated decay in a gene for which loss of function is a known mechanism of disease; Not observed at significant frequency in large population cohorts (gnomAD); Has not been previously published as pathogenic or benign to our knowledge

NM_002335.4(LRP5):c.955dup (p.Tyr319fs)

Gene: LRP5 (LDL receptor related protein 5; plus strand). Cytogenetic location: 11q13.2.
Variant type: Duplication.
Coding change: c.955dup on transcript NM_002335.4 (MANE Select); coding-DNA position 955, one base duplicated (T; older notation c.955dupT).
Protein change: p.Tyr319fs; shifts the reading frame from tyrosine 319.
Molecular consequence: frameshift variant. On other transcripts: 5 prime UTR variant (1).
Genome position (GRCh38, 1-based): chr11:68,365,642, T duplicated. VCF-style (leftmost placement, unchanged base first): chr11-68365641-C-CT. GRCh37 (hg19) VCF-style: chr11-68133109-C-CT.
Other names: c.-811dup (NM_001291902.2); short protein forms Y319fs.
Identifiers: ClinVar variation 4281928 (VCV004281928.1).